The following is an entry in ClinVar:

ClinVar aggregate classification (germline): Conflicting classifications of pathogenicity. Review status: criteria provided, conflicting classifications (1 of 4 stars). 2 submissions from 2 submitters: Uncertain significance (1); Likely benign (1). Last evaluated 2025-08-03.

Conditions:
Fanconi anemia (FA). Also called: Fanconi's anemia. Identifiers: Orphanet 84, MedGen C0015625, MeSH D005199, MONDO:0019391.
Inborn genetic diseases. Identifiers: MedGen C0950123, MeSH D030342.

Allele frequency attached by ClinVar (database versions not stated): gnomAD exomes below 0.00001.
gnomAD v4.1: 2 of 1,613,484 alleles (0.00012%); highest among the groups gnomAD compares: Non-Finnish European, 0.00017%; no homozygotes.

Submissions (2):

Ambry Genetics
Classification: Likely benign for Inborn genetic diseases. Last evaluated: 2025-08-03. Review status: criteria provided, single submitter. Criteria: Ambry Variant Classification Scheme 2023. Collection method: clinical testing. Allele origin: germline.

Labcorp Genetics (formerly Invitae), Labcorp
Classification: Uncertain significance for Fanconi anemia. Last evaluated: 2021-08-06. Review status: criteria provided, single submitter. Criteria: Invitae Variant Classification Sherloc (09022015). Collection method: clinical testing. Allele origin: germline.
Comment: This sequence change replaces serine with leucine at codon 1746 of the FANCM protein (p.Ser1746Leu). The serine residue is weakly conserved and there is a large physicochemical difference between serine and leucine. This variant is not present in population databases (ExAC no frequency). This variant has not been reported in the literature in individuals affected with FANCM-related conditions. Algorithms developed to predict the effect of missense changes on protein structure and function output the following: SIFT: "Tolerated"; PolyPhen-2: "Benign"; Align-GVGD: "Class C0". The leucine amino acid residue is found in multiple mammalian species, which suggests that this missense change does not adversely affect protein function. In summary, the available evidence is currently insufficient to determine the role of this variant in disease. Therefore, it has been classified as a Variant of Uncertain Significance.

NM_020937.4(FANCM):c.5237C>T (p.Ser1746Leu)

Gene: FANCM (FA complementation group M; plus strand). Cytogenetic location: 14q21.2.
Variant type: single nucleotide variant.
Coding change: c.5237C>T on transcript NM_020937.4 (MANE Select); coding-DNA position 5237, C replaced by T.
Protein change: p.Ser1746Leu; replaces serine 1746 with leucine.
Molecular consequence: missense variant.
Genome position (GRCh38, 1-based): chr14:45,189,259, C>T. VCF-style: chr14-45189259-C-T. GRCh37 (hg19) VCF-style: chr14-45658462-C-T.
Other names: c.5159C>T, p.Ser1720Leu (NM_001308133.2); c.5237C>T (NM_020937.2); short protein forms S1720L, S1746L.
Identifiers: ClinVar variation 1463472 (VCV001463472.7), dbSNP rs1889613187, ClinGen allele CA389613052.